The following is an entry in ClinVar:

ClinVar aggregate classification (germline): Uncertain significance (1 of 4 stars; one submission).

Conditions:
Charcot-Marie-Tooth disease, type I (CMT1). Also called: Charcot-Marie-Tooth disease type 1; Charcot-Marie-Tooth, Type 1. Identifiers: Orphanet 65753, MedGen C0751036, MONDO:0019011.

Submission:

Labcorp Genetics (formerly Invitae), Labcorp
Classification: Uncertain significance for Charcot-Marie-Tooth disease, type I. Last evaluated: 2022-10-28. Review status: criteria provided, single submitter. Criteria: Invitae Variant Classification Sherloc (09022015). Collection method: clinical testing. Allele origin: germline.
Comment: Advanced modeling of protein sequence and biophysical properties (such as structural, functional, and spatial information, amino acid conservation, physicochemical variation, residue mobility, and thermodynamic stability) performed at Invitae indicates that this missense variant is not expected to disrupt EGR2 protein function. This sequence change replaces alanine, which is neutral and non-polar, with valine, which is neutral and non-polar, at codon 304 of the EGR2 protein (p.Ala304Val). This variant is not present in population databases (gnomAD no frequency). This variant has not been reported in the literature in individuals affected with EGR2-related conditions. ClinVar contains an entry for this variant (Variation ID: 1388121). In summary, the available evidence is currently insufficient to determine the role of this variant in disease. Therefore, it has been classified as a Variant of Uncertain Significance.

NM_000399.5(EGR2):c.911C>T (p.Ala304Val)

Gene: EGR2 (early growth response 2; minus strand). Cytogenetic location: 10q21.3.
Variant type: single nucleotide variant.
Coding change: c.911C>T on transcript NM_000399.5 (MANE Select); coding-DNA position 911, C replaced by T.
Protein change: p.Ala304Val; replaces alanine 304 with valine.
Molecular consequence: missense variant.
Genome position (GRCh38, 1-based): chr10:62,813,727, G>A on the plus strand (C>T on the coding strand, the complement: EGR2 is on the minus strand). VCF-style: chr10-62813727-G-A. GRCh37 (hg19) VCF-style: chr10-64573487-G-A.
Other names: c.911C>T, p.Ala304Val (NM_001136177.3, NM_001136178.2); c.761C>T, p.Ala254Val (NM_001136179.3, NM_001321037.2); short protein forms A254V, A304V.
Identifiers: ClinVar variation 1388121 (VCV001388121.6), dbSNP rs1440557742, ClinGen allele CA377028477.
Genomic context (GRCh38, chr10:62,813,727, plus strand): 5'-CGAGGCCTCAGAATGGGCCGCAGTGGCAGGTGGTGTGGGTTATAGGCGGCGGCGGCGGCG[G>A]CTGCTGCTGCTGCTGAGCTGCTACCAGGCAGCCGGGGTCCCTCGCTGCCTCCACTGGCCC-3'
Protein context (NP_000390.2, residues 294-314): LPGSSSAAAA[Ala304Val]AAAAAYNPHH